The following is an entry in ClinVar:

NM_001367805.3(KIF23):c.2066G>A (p.Arg689Gln)

Gene: KIF23 (kinesin family member 23; plus strand). Cytogenetic location: 15q23.
Variant type: single nucleotide variant.
Coding change: c.2066G>A on transcript NM_001367805.3 (MANE Select); coding-DNA position 2066, G replaced by A.
Protein change: p.Arg689Gln; replaces arginine 689 with glutamine.
Molecular consequence: missense variant. On other transcripts: non-coding transcript variant (2).
Genome position (GRCh38, 1-based): chr15:69,440,444, G>A. VCF-style: chr15-69440444-G-A. GRCh37 (hg19) VCF-style: chr15-69732783-G-A.
Other names: c.1694G>A, p.Arg565Gln (NM_001281301.2); c.2024G>A, p.Arg675Gln (NM_001367804.2, NM_004856.7, NM_138555.4); short protein forms R565Q, R689Q, R675Q.
Identifiers: ClinVar variation 2397695 (VCV002397695.6), dbSNP rs373412441, ClinGen allele CA272526016.

ClinVar aggregate classification (germline): Uncertain significance. Review status: criteria provided, multiple submitters, no conflicts (2 of 4 stars). 2 submissions from 2 submitters: Uncertain significance (2). Last evaluated 2025-11-08.

Allele frequency attached by ClinVar (database versions not stated): gnomAD exomes below 0.00001; gnomAD 0.00001; TOPMed 0.00001; ESP Exome Variant Server 0.00008.

Submissions (2):

Ambry Genetics
Classification: Uncertain significance. Last evaluated: 2025-11-08. Review status: criteria provided, single submitter. Criteria: Ambry Variant Classification Scheme 2023. Collection method: clinical testing. Allele origin: germline.

Labcorp Genetics (formerly Invitae), Labcorp
Classification: Uncertain significance. Last evaluated: 2023-01-15. Review status: criteria provided, single submitter. Criteria: Invitae Variant Classification Sherloc (09022015). Collection method: clinical testing. Allele origin: germline.
Comment: This sequence change replaces arginine, which is basic and polar, with glutamine, which is neutral and polar, at codon 675 of the KIF23 protein (p.Arg675Gln). The frequency data for this variant in the population databases is considered unreliable, as metrics indicate poor data quality at this position in the gnomAD database. This variant has not been reported in the literature in individuals affected with KIF23-related conditions. Advanced modeling of protein sequence and biophysical properties (such as structural, functional, and spatial information, amino acid conservation, physicochemical variation, residue mobility, and thermodynamic stability) performed at Invitae indicates that this missense variant is not expected to disrupt KIF23 protein function. In summary, the available evidence is currently insufficient to determine the role of this variant in disease. Therefore, it has been classified as a Variant of Uncertain Significance.